The following is an entry in ClinVar:

ClinVar aggregate classification (germline): Uncertain significance (1 of 4 stars; one submission).

Conditions:
Inborn genetic diseases. Identifiers: MedGen C0950123, MeSH D030342.

gnomAD v4.1: 1 of 1,614,240 alleles (0.000062%); highest among the groups gnomAD compares: Non-Finnish European, 0.000085%; no homozygotes.

Submission:

Ambry Genetics
Classification: Uncertain significance for Inborn genetic diseases. Last evaluated: 2026-01-14. Review status: criteria provided, single submitter. Criteria: Ambry Variant Classification Scheme 2023. Collection method: clinical testing. Allele origin: germline.
Comment: The p.Q143P variant (also known as c.428A>C), located in coding exon 4 of the ETV6 gene, results from an A to C substitution at nucleotide position 428. The glutamine at codon 143 is replaced by proline, an amino acid with similar properties. This amino acid position is conserved. In addition, this alteration is predicted to be tolerated by in silico analysis. Based on the available evidence, the clinical significance of this variant remains unclear.

NM_001987.5(ETV6):c.428A>C (p.Gln143Pro)

Gene: ETV6 (ETS variant transcription factor 6; plus strand). Cytogenetic location: 12p13.2.
Variant type: single nucleotide variant.
Coding change: c.428A>C on transcript NM_001987.5 (MANE Select); coding-DNA position 428, A replaced by C.
Protein change: p.Gln143Pro; replaces glutamine 143 with proline.
Molecular consequence: missense variant.
Genome position (GRCh38, 1-based): chr12:11,853,526, A>C. VCF-style: chr12-11853526-A-C. GRCh37 (hg19) VCF-style: chr12-12006460-A-C.
Other names: c.425A>C, p.Gln142Pro (NM_001413913.1); c.401A>C, p.Gln134Pro (NM_001413914.1); c.164A>C, p.Gln55Pro (NM_001413915.1); c.428A>C, p.Gln143Pro (NM_001413916.1, NM_001413917.1); short protein forms Q134P, Q142P, Q143P, Q55P.
Identifiers: ClinVar variation 4842532 (VCV004842532.1).
Genomic context (GRCh38, chr12:11,853,526, plus strand): 5'-AGAGGAAACCTCGGATTCTTTTTTCACCATTCTTCCACCCTGGAAACTCTATACACACAC[A>C]GCCGGAGGTCATACTGCATCAGAACCATGAAGAAGGTACTGGAAGAGGTTTCTCTTTTCT-3'
Protein context (NP_001978.1, residues 133-153): FFHPGNSIHT[Gln143Pro]PEVILHQNHE